The following is an entry in ClinVar:

ClinVar aggregate classification (germline): Pathogenic/Likely pathogenic. Review status: criteria provided, multiple submitters, no conflicts (2 of 4 stars). 2 submissions from 2 submitters: Pathogenic (1); Likely pathogenic (1). Last evaluated 2025-03-14.

Conditions:
Intellectual disability, autosomal dominant 15 (CSS3). Also called: COFFIN-SIRIS SYNDROME 3. Identifiers: Orphanet 1465, MedGen C3553248, MONDO:0013820, OMIM 614608.

Submissions (2):

3billion
Classification: Pathogenic for Intellectual disability, autosomal dominant 15. Last evaluated: 2025-03-14. Review status: criteria provided, single submitter. Criteria: ACMG Guidelines, 2015. Collection method: clinical testing. Allele origin: germline. Affected: yes.
Comment: The variant is not observed in the gnomAD v4.1.0 dataset. Predicted Consequence/Location: Canonical splice site: predicted to alter splicing and result in a loss or disruption of normal protein function. Multiple pathogenic loss-of-function variants are reported downstream of the variant. In silico tools predict the variant to alter splicing and produce an abnormal transcript [SpliceAI: 0.83 (spliceogenicity >=0.2, non-spliceogenicity <0.1)]. The variant has been reported to be associated with SMARCB1-related disorder (ClinVar ID: VCV003336915 / PMID: 34906459). Therefore, this variant is classified as Pathogenic according to the recommendation of ACMG/AMP guideline.

Clinical Genetics Laboratory, Skane University Hospital Lund
Classification: Likely pathogenic. Last evaluated: 2022-05-27. Review status: criteria provided, single submitter. Criteria: ACMG Guidelines, 2015. Collection method: clinical testing. Allele origin: germline. Affected: yes.

Literature cited by the submitters: PubMed 34906459 (cited by 3billion).

NM_003073.5(SMARCB1):c.363-2_363-1del

Gene: SMARCB1 (SWI/SNF related BAF chromatin remodeling complex subunit B1; plus strand). Cytogenetic location: 22q11.23.
Variant type: Deletion.
Coding change: c.363-2_363-1del on transcript NM_003073.5 (MANE Select); the canonical splice acceptor site of the intron before coding-DNA position 363, 2 bases deleted (AG; older notation c.363-2_363-1delAG).
Molecular consequence: splice acceptor variant.
Genome position (GRCh38, 1-based): chr22:23,800,942-23,800,943, AG deleted. VCF-style (leftmost placement, unchanged base first): chr22-23800941-CAG-C. GRCh37 (hg19) VCF-style: chr22-24143128-CAG-C.
Other names: c.363-2_363-1del (NM_001362877.2); c.336-2_336-1del (NM_001317946.2, NM_001007468.3).
Identifiers: ClinVar variation 3336915 (VCV003336915.2).